The following is an entry in ClinVar:

ClinVar aggregate classification (germline): Pathogenic (1 of 4 stars; one submission).

Submission:

Labcorp Genetics (formerly Invitae), Labcorp
Classification: Pathogenic. Last evaluated: 2024-04-29. Review status: criteria provided, single submitter. Criteria: Invitae Variant Classification Sherloc (09022015). Collection method: clinical testing. Allele origin: germline.
Comment: This sequence change creates a premature translational stop signal (p.Lys306Asnfs*2) in the TET2 gene. It is expected to result in an absent or disrupted protein product. Loss-of-function variants in TET2 are known to be pathogenic (PMID: 36066697). This variant is present in population databases (no rsID available, gnomAD 0.0009%). This variant has not been reported in the literature in individuals affected with TET2-related conditions. Algorithms developed to predict the effect of sequence changes on RNA splicing suggest that this variant may create or strengthen a splice site. For these reasons, this variant has been classified as Pathogenic.

Literature cited by the submitters: PubMed 36066697.

NM_001127208.3(TET2):c.918del (p.Lys306fs)

Genes: TET2 (tet methylcytosine dioxygenase 2; plus strand), TET2-AS1 (TET2 antisense RNA 1; minus strand). Cytogenetic location: 4q24.
Variant type: Deletion.
Coding change: c.918del on transcript NM_001127208.3 (MANE Select); coding-DNA position 918, one base deleted (A; older notation c.918delA).
Protein change: p.Lys306fs; shifts the reading frame from lysine 306.
Molecular consequence: frameshift variant.
Genome position (GRCh38, 1-based): chr4:105,234,860, A deleted; the last of 3 consecutive A bases (chr4:105,234,858-105,234,860); deleting any one gives the same sequence. VCF-style (leftmost placement, unchanged base first): chr4-105234857-TA-T. GRCh37 (hg19) VCF-style: chr4-106156014-TA-T.
Other names: c.918del, p.Lys306fs (NM_017628.4); short protein forms K306fs.
Identifiers: ClinVar variation 3633315 (VCV003633315.2).